The following is an entry in ClinVar:

ClinVar aggregate classification (germline): Likely benign (0 of 4 stars; one submission).

Conditions:
ACADL-related disorder. Also called: ACADL-related condition.

Allele frequency attached by ClinVar (database versions not stated): gnomAD exomes 0.00007; ExAC 0.00039; gnomAD 0.00092; TOPMed 0.00115; 1000 Genomes Project 0.00140; 1000 Genomes Project 30x 0.00156; ESP Exome Variant Server 0.00185.
gnomAD v4.1: 240 of 1,613,784 alleles (0.015%); highest among the groups gnomAD compares: African/African-American, 0.31%; 1 homozygote.

Submission:

PreventionGenetics, part of Exact Sciences
Classification: Likely benign for ACADL-related condition. Last evaluated: 2019-08-10. Review status: no assertion criteria provided. Collection method: clinical testing. Allele origin: germline.
Comment: This variant is classified as likely benign based on ACMG/AMP sequence variant interpretation guidelines (Richards et al. 2015 PMID: 25741868, with internal and published modifications).

NM_001608.4(ACADL):c.1112+5G>A

Gene: ACADL (acyl-CoA dehydrogenase long chain; minus strand). Cytogenetic location: 2q34.
Variant type: single nucleotide variant.
Coding change: c.1112+5G>A on transcript NM_001608.4 (MANE Select); 5 bases into the intron after coding-DNA position 1112, G replaced by A.
Molecular consequence: intron variant.
Genome position (GRCh38, 1-based): chr2:210,195,206, C>T on the plus strand (G>A on the coding strand, the complement: ACADL is on the minus strand). VCF-style: chr2-210195206-C-T. GRCh37 (hg19) VCF-style: chr2-211059930-C-T.
Identifiers: ClinVar variation 3034814 (VCV003034814.2), dbSNP rs73984347, ClinGen allele CA2084836.